The following is an entry in ClinVar:

ClinVar aggregate classification (germline): Pathogenic (1 of 4 stars; one submission).

Submission:

GeneDx
Classification: Pathogenic. Last evaluated: 2024-10-05. Review status: criteria provided, single submitter. Criteria: GeneDx Variant Classification Process June 2021. Collection method: clinical testing. Allele origin: germline. Affected: yes.
Comment: Frameshift variant predicted to result in protein truncation or nonsense mediated decay in a gene for which loss of function is a known mechanism of disease; Not observed at significant frequency in large population cohorts (gnomAD); Has not been previously published as pathogenic or benign to our knowledge

NM_000052.7(ATP7A):c.3632_3633delinsTACTACA (p.Arg1211fs)

Gene: ATP7A (ATPase copper transporting alpha; plus strand). Cytogenetic location: Xq21.1.
Variant type: Indel.
Coding change: c.3632_3633delinsTACTACA on transcript NM_000052.7 (MANE Select); coding-DNA positions 3632 to 3633, GG replaced by TACTACA.
Protein change: p.Arg1211fs; shifts the reading frame from arginine 1211.
Molecular consequence: frameshift variant. On other transcripts: non-coding transcript variant (1).
Genome position (GRCh38, 1-based): chrX:78,038,956-78,038,957, GG replaced by TACTACA. VCF-style: chrX-78038956-GG-TACTACA. GRCh37 (hg19) VCF-style: chrX-77294454-GG-TACTACA.
Other names: c.3398_3399delinsTACTACA, p.Arg1133fs (NM_001282224.2); short protein forms R1133fs, R1211fs.
Identifiers: ClinVar variation 3776692 (VCV003776692.1).